The following is an entry in ClinVar:

NM_001371904.1(APOA5):c.132C>A (p.Ile44=)

Genes: APOA5 (apolipoprotein A5; minus strand), LOC108491825 (enhancer-blocking element 11-1-2 overlapping APOA5; plus strand). Cytogenetic location: 11q23.3.
Variant type: single nucleotide variant.
Coding change: c.132C>A on transcript NM_001371904.1 (MANE Select); coding-DNA position 132, C replaced by A.
Protein change: p.Ile44=; no amino-acid change (isoleucine 44 retained).
Molecular consequence: synonymous variant.
Genome position (GRCh38, 1-based): chr11:116,791,615, G>T on the plus strand (C>A on the coding strand, the complement: APOA5 is on the minus strand). VCF-style: chr11-116791615-G-T. GRCh37 (hg19) VCF-style: chr11-116662331-G-T.
Other names: p.Ile44=; c.132C>A, p.Ile44= (NM_001166598.2, NM_052968.5).
Identifiers: ClinVar variation 496495 (VCV000496495.16), dbSNP rs12287066, ClinGen allele CA6289154.

ClinVar aggregate classification (germline): Benign. Review status: criteria provided, multiple submitters, no conflicts (2 of 4 stars). 7 submissions from 7 submitters: Benign (7). Last evaluated 2026-02-04.

Conditions:
Cardiovascular phenotype. Identifiers: MedGen CN230736.

Allele frequency attached by ClinVar (database versions not stated): gnomAD exomes 0.06642 and 0.07729; 1000 Genomes Project 0.09065; 1000 Genomes Project 30x 0.09744; gnomAD 0.09839 and 0.10299; ESP Exome Variant Server 0.10239; TOPMed 0.10864; ExAC 0.10972.
gnomAD v4.1: 111,810 of 1,607,526 alleles (7%); highest among the groups gnomAD compares: African/African-American, 18%; 4,814 homozygotes.

Submissions (7):

Labcorp Genetics (formerly Invitae), Labcorp
Classification: Benign. Last evaluated: 2026-02-04. Review status: criteria provided, single submitter. Criteria: Invitae Variant Classification Sherloc (09022015). Collection method: clinical testing. Allele origin: germline.

Blueprint Genetics
Classification: Benign. Last evaluated: 2024-11-27. Review status: criteria provided, single submitter. Criteria: ACMG Guidelines, 2015. Collection method: clinical testing. Allele origin: germline.

Mayo Clinic Laboratories, Mayo Clinic
Classification: Benign. Last evaluated: 2022-04-26. Review status: criteria provided, single submitter. Criteria: ACMG Guidelines, 2015. Collection method: clinical testing. Allele origin: germline. Observed: 36 variant alleles.

Ambry Genetics
Classification: Benign for Cardiovascular phenotype. Last evaluated: 2019-02-11. Review status: criteria provided, single submitter. Criteria: Ambry Variant Classification Scheme 2023. Collection method: clinical testing. Allele origin: germline.

GeneDx
Classification: Benign. Last evaluated: 2018-10-09. Review status: criteria provided, single submitter. Criteria: GeneDx Variant Classification Process June 2021. Collection method: clinical testing. Allele origin: germline. Affected: yes.

Women's Health and Genetics/Laboratory Corporation of America, LabCorp
Classification: Benign. Last evaluated: 2017-07-19. Review status: criteria provided, single submitter. Criteria: LabCorp Variant Classification Summary - May 2015. Collection method: clinical testing. Allele origin: germline.
Comment: Variant summary: The APOA5 c.132C>A (p.Ile44Ile) variant involves the alteration of a non-conserved nucleotide, resulting in a synonymous change. One in silico tool predicts a polymorphism outcome for this variant. 5/5 splice prediction tools predict no significant impact on normal splicing. ESE finder predicts that this variant may affect binding of SRp40. However, these predictions have yet to be confirmed by functional studies. This variant was found in 8225/74964 control chromosomes (443 homozygotes) from ExAC at a frequency of 0.1097193, which is approximately 1646 times the estimated maximal expected allele frequency of a pathogenic APOA5 variant (0.0000667), thus this variant is a common benign polymorphism. Taken together, this variant is classified as benign.

Breakthrough Genomics
Classification: Benign. Review status: criteria provided, single submitter. Criteria: ACMG Guidelines, 2015. Collection method: not provided. Allele origin: germline. Inheritance: Autosomal dominant inheritance. Affected: yes.